The following is an entry in ClinVar:

ClinVar aggregate classification (germline): Conflicting classifications of pathogenicity. Review status: criteria provided, conflicting classifications (1 of 4 stars). 2 submissions from 2 submitters: Uncertain significance (1); Likely benign (1). Last evaluated 2026-01-06.

Conditions:
Cardiovascular phenotype. Identifiers: MedGen CN230736.
Capillary malformation-arteriovenous malformation syndrome. Also called: Capillary malformation-arteriovenous malformation. Identifiers: Orphanet 137667, MedGen C1842180, MONDO:0012016.

Allele frequency attached by ClinVar (database versions not stated): gnomAD exomes 0.00001; ExAC 0.00003.

Submissions (2):

Ambry Genetics
Classification: Likely benign for Cardiovascular phenotype. Last evaluated: 2026-01-06. Review status: criteria provided, single submitter. Criteria: Ambry Variant Classification Scheme 2023. Collection method: clinical testing. Allele origin: germline.

Labcorp Genetics (formerly Invitae), Labcorp
Classification: Uncertain significance for Capillary malformation-arteriovenous malformation syndrome. Last evaluated: 2024-12-08. Review status: criteria provided, single submitter. Criteria: Invitae Variant Classification Sherloc (09022015). Collection method: clinical testing. Allele origin: germline.
Comment: This sequence change replaces methionine, which is neutral and non-polar, with threonine, which is neutral and polar, at codon 114 of the RASA1 protein (p.Met114Thr). This variant is present in population databases (rs772725212, gnomAD 0.009%). This variant has not been reported in the literature in individuals affected with RASA1-related conditions. ClinVar contains an entry for this variant (Variation ID: 2882456). An algorithm developed to predict the effect of missense changes on protein structure and function (PolyPhen-2) suggests that this variant is likely to be tolerated. In summary, the available evidence is currently insufficient to determine the role of this variant in disease. Therefore, it has been classified as a Variant of Uncertain Significance.

NM_002890.3(RASA1):c.341T>C (p.Met114Thr)

Gene: RASA1 (RAS p21 protein activator 1; plus strand). Cytogenetic location: 5q14.3.
Variant type: single nucleotide variant.
Coding change: c.341T>C on transcript NM_002890.3 (MANE Select); coding-DNA position 341, T replaced by C.
Protein change: p.Met114Thr; replaces methionine 114 with threonine.
Molecular consequence: missense variant.
Genome position (GRCh38, 1-based): chr5:87,268,792, T>C. VCF-style: chr5-87268792-T-C. GRCh37 (hg19) VCF-style: chr5-86564609-T-C.
Other names: short protein forms M114T.
Identifiers: ClinVar variation 2882456 (VCV002882456.4), dbSNP rs772725212, ClinGen allele CA3335401.